The following is an entry in ClinVar:

NM_002878.4(RAD51D):c.699G>C (p.Glu233Asp)

Genes: RAD51D (RAD51 paralog D; minus strand), RAD51L3-RFFL (RAD51L3-RFFL readthrough; minus strand). Cytogenetic location: 17q12.
Variant type: single nucleotide variant.
Coding change: c.699G>C on transcript NM_002878.4 (MANE Select); coding-DNA position 699, G replaced by C.
Protein change: p.Glu233Asp; replaces glutamic acid 233 with aspartic acid.
Molecular consequence: missense variant. On other transcripts: non-coding transcript variant (3).
Genome position (GRCh38, 1-based): chr17:35,103,293, C>G on the plus strand (G>C on the coding strand, the complement: RAD51D is on the minus strand). VCF-style: chr17-35103293-C-G. GRCh37 (hg19) VCF-style: chr17-33430312-C-G.
Other names: c.759G>C, p.Glu253Asp (NM_001142571.2); c.363G>C, p.Glu121Asp (NM_133629.3); short protein forms E233D, E253D, E121D.
Identifiers: ClinVar variation 3312405 (VCV003312405.1).
Genomic context (GRCh38, chr17:35,103,293, plus strand): 5'-TGGCCAAGCCTGCTTCCTCACCACCACTGCCATGCCAAGGTCCCGGGCCAGGGTCTTCAG[C>G]TCTCGGGCCAGCTGCATCATCAAGGCCAAGCCTGCAGGAGGAGGAGAAGCAGAGAGGGAG-3'
Protein context (NP_002869.3, residues 223-243): GLALMMQLAR[Glu233Asp]LKTLARDLGM

ClinVar aggregate classification (germline): Uncertain significance (1 of 4 stars; one submission).

Conditions:
Hereditary cancer-predisposing syndrome. Also called: Neoplastic Syndromes, Hereditary; Tumor predisposition; Hereditary neoplastic syndrome; Hereditary Cancer Syndrome. Identifiers: Orphanet 140162, MedGen C0027672, MeSH D009386, MONDO:0015356.

Submission:

Ambry Genetics
Classification: Uncertain significance for Hereditary cancer-predisposing syndrome. Last evaluated: 2024-04-14. Review status: criteria provided, single submitter. Criteria: Ambry Variant Classification Scheme 2023. Collection method: clinical testing. Allele origin: germline.
Comment: The p.E233D variant (also known as c.699G>C), located in coding exon 8 of the RAD51D gene, results from a G to C substitution at nucleotide position 699. The glutamic acid at codon 233 is replaced by aspartic acid, an amino acid with highly similar properties. This amino acid position is conserved. In addition, this alteration is predicted to be tolerated by in silico analysis. Based on the available evidence, the clinical significance of this variant remains unclear.